The following is an entry in ClinVar:

ClinVar aggregate classification (germline): Benign/Likely benign. Review status: criteria provided, multiple submitters, no conflicts (2 of 4 stars). 7 submissions from 7 submitters: Benign (2); Likely benign (2). 3 of the submissions do not count toward it. Last evaluated 2026-01-13.

Conditions:
NKX3-2-related disorder. Also called: NKX3-2-related condition.
Connective tissue disorder. Also called: Connective tissue disease. Identifiers: MedGen C0009782, MONDO:0003900.

Allele frequency attached by ClinVar (database versions not stated): 1000 Genomes Project 30x 0.00031; ESP Exome Variant Server 0.00122; TOPMed 0.00167.
gnomAD v4.1: 3,932 of 1,591,770 alleles (0.25%); highest among the groups gnomAD compares: Non-Finnish European, 0.27%; 9 homozygotes.

Submissions (7):

Labcorp Genetics (formerly Invitae), Labcorp
Classification: Benign. Last evaluated: 2026-01-13. Review status: criteria provided, single submitter. Criteria: Invitae Variant Classification Sherloc (09022015). Collection method: clinical testing. Allele origin: germline.

Blueprint Genetics
Classification: Likely benign. Last evaluated: 2024-11-19. Review status: criteria provided, single submitter. Criteria: ACMG Guidelines, 2015. Collection method: clinical testing. Allele origin: germline.

Genome Diagnostics Laboratory, The Hospital for Sick Children
Classification: Likely benign for Connective tissue disorder. Last evaluated: 2020-01-01. Review status: criteria provided, single submitter. Criteria: ACMG Guidelines, 2015. Collection method: clinical testing. Allele origin: germline.

Breakthrough Genomics
Classification: Benign. Review status: criteria provided, single submitter. Criteria: ACMG Guidelines, 2015. Collection method: not provided. Allele origin: germline. Inheritance: Autosomal recessive inheritance. Affected: yes.

PreventionGenetics, part of Exact Sciences
Classification: Benign for NKX3-2-related condition. Last evaluated: 2019-06-27. Review status: no assertion criteria provided. Collection method: clinical testing. Allele origin: germline. Not counted in ClinVar's aggregate classification.
Comment: This variant is classified as benign based on ACMG/AMP sequence variant interpretation guidelines (Richards et al. 2015 PMID: 25741868, with internal and published modifications).

Joint Genome Diagnostic Labs from Nijmegen and Maastricht, Radboudumc and MUMC+
Classification: Benign. Review status: no assertion criteria provided. Collection method: clinical testing. Allele origin: germline. Affected: yes. Study: VKGL Data-share Consensus. Not counted in ClinVar's aggregate classification.

Laboratory of Diagnostic Genome Analysis, Leiden University Medical Center (LUMC)
Classification: Likely benign. Review status: no assertion criteria provided. Collection method: clinical testing. Allele origin: germline. Affected: yes. Study: VKGL Data-share Consensus. Not counted in ClinVar's aggregate classification.

NM_001189.4(NKX3-2):c.190G>C (p.Gly64Arg)

Gene: NKX3-2 (NK3 homeobox 2; minus strand). Cytogenetic location: 4p15.33.
Variant type: single nucleotide variant.
Coding change: c.190G>C on transcript NM_001189.4 (MANE Select); coding-DNA position 190, G replaced by C.
Protein change: p.Gly64Arg; replaces glycine 64 with arginine.
Molecular consequence: missense variant.
Genome position (GRCh38, 1-based): chr4:13,544,225, C>G on the plus strand (G>C on the coding strand, the complement: NKX3-2 is on the minus strand). VCF-style: chr4-13544225-C-G. GRCh37 (hg19) VCF-style: chr4-13545849-C-G.
Other names: short protein forms G64R.
Identifiers: ClinVar variation 708518 (VCV000708518.20), dbSNP rs202195290, ClinGen allele CA2860465.